The following is an entry in ClinVar:

NM_002700.3(POU4F3):c.703_704del (p.Thr235fs)

Genes: POU4F3 (POU class 4 homeobox 3; plus strand), RBM27-POU4F3 (RBM27-POU4F3 readthrough; plus strand). Cytogenetic location: 5q32.
Variant type: Deletion.
Coding change: c.703_704del on transcript NM_002700.3 (MANE Select); coding-DNA positions 703 to 704, 2 bases deleted (AC; older notation c.703_704delAC).
Protein change: p.Thr235fs; shifts the reading frame from threonine 235.
Molecular consequence: frameshift variant. On other transcripts: 3 prime UTR variant (1).
Genome position (GRCh38, 1-based): chr5:146,340,130-146,340,131, AC deleted; deleting any 2 consecutive bases within chr5:146,340,129-146,340,131 gives the same sequence; the c. name uses the placement nearest the transcript's 3' end. VCF-style (leftmost placement, unchanged base first): chr5-146340128-TCA-T. GRCh37 (hg19) VCF-style: chr5-145719691-TCA-T.
Other names: c.*572_*573del (NM_001414499.1); short protein forms T235fs.
Identifiers: ClinVar variation 2507263 (VCV002507263.1), dbSNP rs2479693648, ClinGen allele CA2580613685.

ClinVar aggregate classification (germline): Likely pathogenic (1 of 4 stars; one submission).

Submission:

GeneDx
Classification: Likely pathogenic. Last evaluated: 2022-12-28. Review status: criteria provided, single submitter. Criteria: GeneDx Variant Classification Process June 2021. Collection method: clinical testing. Allele origin: germline. Affected: yes.
Comment: Frameshift variant predicted to result in protein truncation, as the last 104 amino acids are replaced with 66 different amino acids, and other loss-of-function variants have been reported downstream in HGMD; Not observed at significant frequency in large population cohorts (gnomAD); Has not been previously published as pathogenic or benign to our knowledge